The following is an entry in ClinVar:

NM_001845.6(COL4A1):c.3307G>A (p.Gly1103Arg)

Gene: COL4A1 (collagen type IV alpha 1 chain; minus strand). Cytogenetic location: 13q34.
Variant type: single nucleotide variant.
Coding change: c.3307G>A on transcript NM_001845.6 (MANE Select); coding-DNA position 3307, G replaced by A.
Protein change: p.Gly1103Arg; replaces glycine 1103 with arginine.
Molecular consequence: missense variant.
Genome position (GRCh38, 1-based): chr13:110,174,641, C>T on the plus strand (G>A on the coding strand, the complement: COL4A1 is on the minus strand). VCF-style: chr13-110174641-C-T. GRCh37 (hg19) VCF-style: chr13-110826988-C-T.
Other names: c.3307G>A (NM_001845.4); short protein forms G1103R.
Identifiers: ClinVar variation 870801 (VCV000870801.51), dbSNP rs1877796698, ClinGen allele CA388664534.

ClinVar aggregate classification (germline): Pathogenic/Likely pathogenic. Review status: criteria provided, multiple submitters, no conflicts (2 of 4 stars). 6 submissions from 6 submitters: Pathogenic (4); Likely pathogenic (2). Last evaluated 2025-02-08.

Conditions:
Brain small vessel disease 1 with or without ocular anomalies (BSVD1). Also called: Brain small vessel disease with or without ocular anomalies; BRAIN SMALL VESSEL DISEASE WITH HEMORRHAGE; PORENCEPHALY, TYPE 1, AUTOSOMAL DOMINANT; GOULD SYNDROME 1. Identifiers: Orphanet 2940, Orphanet 36383, Orphanet 99810, MedGen C4755307, MONDO:0008289, OMIM 175780.
COL4A1-related disorder. Also called: COL4A1-related disorders; COL4A1-related condition. Identifiers: MedGen CN376119, MONDO:0800461.

Submissions (6):

Labcorp Genetics (formerly Invitae), Labcorp
Classification: Pathogenic. Last evaluated: 2025-02-08. Review status: criteria provided, single submitter. Criteria: Invitae Variant Classification Sherloc (09022015). Collection method: clinical testing. Allele origin: germline.
Comment: This sequence change replaces glycine, which is neutral and non-polar, with arginine, which is basic and polar, at codon 1103 of the COL4A1 protein (p.Gly1103Arg). This variant is not present in population databases (gnomAD no frequency). This missense change has been observed in individual(s) with clinical features of COL4A1-related conditions (PMID: 22223490). In at least one individual the variant was observed to be de novo. ClinVar contains an entry for this variant (Variation ID: 870801). Invitae Evidence Modeling of protein sequence and biophysical properties (such as structural, functional, and spatial information, amino acid conservation, physicochemical variation, residue mobility, and thermodynamic stability) indicates that this missense variant is expected to disrupt COL4A1 protein function with a positive predictive value of 95%. This variant disrupts the triple helix domain of COL4A1. Glycine residues within the Gly-Xaa-Yaa repeats of the triple helix domain are required for the structure and stability of fibrillar collagens (PMID: 7695699, 8218237, 19344236). In COL4A1 variants affecting these glycine residues are significantly enriched in individuals with disease (PMID: 9016532, 17078022) compared to the general population (ExAC). For these reasons, this variant has been classified as Pathogenic.

GeneDx
Classification: Pathogenic. Last evaluated: 2024-08-23. Review status: criteria provided, single submitter. Criteria: GeneDx Variant Classification Process June 2021. Collection method: clinical testing. Allele origin: germline. Affected: yes.
Comment: Affects a glycine residue in a Gly-X-Y motif in the triple helical region of the COL4A1 gene, where the majority of pathogenic missense variants occur, and is predicted to disrupt normal protein folding and function (HGMD; PMID: 22522439, 23225343); Not observed at significant frequency in large population cohorts (gnomAD); In silico analysis supports that this missense variant has a deleterious effect on protein structure/function; This variant is associated with the following publications: (PMID: 22914737, 22223490, 22522439, 23225343)

Blueprint Genetics
Classification: Likely pathogenic for COL4A1-related disorders. Last evaluated: 2019-06-20. Review status: criteria provided, single submitter. Criteria: ACMG Guidelines, 2015. Collection method: clinical testing. Allele origin: germline. Affected: yes. Observed: 1 variant allele.

Mayo Clinic Laboratories, Mayo Clinic
Classification: Likely pathogenic. Last evaluated: 2019-05-26. Review status: criteria provided, single submitter. Criteria: ACMG Guidelines, 2015. Collection method: clinical testing. Allele origin: germline. Observed: 1 variant allele.
Comment: PM1, PM2, PM6, PP3

CeGaT Center for Human Genetics Tuebingen
Classification: Pathogenic. Last evaluated: 2019-04-01. Review status: criteria provided, single submitter. Criteria: CeGaT Center For Human Genetics Tuebingen Variant Classification Criteria Version 2. Collection method: clinical testing. Allele origin: germline. Affected: yes. Observed: 1 variant allele.

Imagene.me medical diagnostic laboratory, IMAGENE.ME SA
Classification: Pathogenic for Brain small vessel disease 1 with or without ocular anomalies. Review status: criteria provided, single submitter. Criteria: IMAGENE.ME Variant Classification SOP 2022. Collection method: clinical testing. Allele origin: de novo. Affected: yes.
Comment: Classified according to the IMAGENE.ME variant classification SOP based on the ACMG guidelines as Pathogenic (P): PS2 + PP3_Strong + PM2 + PM5_Supporting + PP4 + PP5

Literature cited by the submitters: PubMed 22223490 (cited by Labcorp Genetics (formerly Invitae), Labcorp and Mayo Clinic Laboratories, Mayo Clinic); PubMed 7695699 (cited by Labcorp Genetics (formerly Invitae), Labcorp); PubMed 8218237 (cited by Labcorp Genetics (formerly Invitae), Labcorp); PubMed 19344236 (cited by Labcorp Genetics (formerly Invitae), Labcorp); PubMed 9016532 (cited by Labcorp Genetics (formerly Invitae), Labcorp); PubMed 17078022 (cited by Labcorp Genetics (formerly Invitae), Labcorp); PubMed 22914737 (cited by Mayo Clinic Laboratories, Mayo Clinic).